The following is an entry in ClinVar:

NM_005632.3(CAPN15):c.428C>G (p.Pro143Arg)

Gene: CAPN15 (calpain 15; plus strand). Cytogenetic location: 16p13.3.
Variant type: single nucleotide variant.
Coding change: c.428C>G on transcript NM_005632.3 (MANE Select); coding-DNA position 428, C replaced by G.
Protein change: p.Pro143Arg; replaces proline 143 with arginine.
Molecular consequence: missense variant.
Genome position (GRCh38, 1-based): chr16:547,266, C>G. VCF-style: chr16-547266-C-G. GRCh37 (hg19) VCF-style: chr16-597266-C-G.
Other names: short protein forms P143R.
Identifiers: ClinVar variation 3038845 (VCV003038845.2), dbSNP rs112599163, ClinGen allele CA7778077.

ClinVar aggregate classification (germline): Benign (0 of 4 stars; one submission).

Conditions:
CAPN15-related disorder. Also called: CAPN15-related condition.

Allele frequency attached by ClinVar (database versions not stated): gnomAD exomes 0.00316; ESP Exome Variant Server 0.02963; ExAC 0.03210; gnomAD 0.03356; TOPMed 0.03832; 1000 Genomes Project 0.04054; 1000 Genomes Project 30x 0.04154.
gnomAD v4.1: 9,651 of 1,509,252 alleles (0.64%); highest among the groups gnomAD compares: African/African-American, 12%; 493 homozygotes.

Submission:

PreventionGenetics, part of Exact Sciences
Classification: Benign for CAPN15-related condition. Last evaluated: 2019-09-27. Review status: no assertion criteria provided. Collection method: clinical testing. Allele origin: germline.
Comment: This variant is classified as benign based on ACMG/AMP sequence variant interpretation guidelines (Richards et al. 2015 PMID: 25741868, with internal and published modifications).